The following is an entry in ClinVar:

ClinVar aggregate classification (germline): Pathogenic (1 of 4 stars; one submission).

Conditions:
Hereditary thrombocytopenia and hematological cancer predisposition syndrome associated with RUNX1. Also called: RUNX1 Familial Platelet Disorder with Associated Myeloid Malignancies; Familial Platelet Disorder with Propensity to Acute Myelogenous Leukemia; Familial thrombocytopenia with propensity to acute myelogenous leukemia; PLATELET DISORDER, ASPIRIN-LIKE. Identifiers: Orphanet 71290, MedGen C1832388, MeSH C563324, MONDO:0100083, OMIM 601399.

Submission:

Labcorp Genetics (formerly Invitae), Labcorp
Classification: Pathogenic for Hereditary thrombocytopenia and hematological cancer predisposition syndrome associated with RUNX1. Last evaluated: 2021-08-12. Review status: criteria provided, single submitter. Criteria: Invitae Variant Classification Sherloc (09022015). Collection method: clinical testing. Allele origin: germline.
Comment: This variant is a gross deletion of the genomic region encompassing exon(s) 5-6 of the RUNX1 gene. This deletion is out-of-frame, and is expected to create a premature termination codon and result in an absent or disrupted protein product. Loss-of-function variants in RUNX1 are known to be pathogenic (PMID: 18723428, 24100448). This variant has not been reported in the literature in individuals affected with RUNX1-related conditions. For these reasons, this variant has been classified as Pathogenic.

Literature cited by the submitters: PubMed 18723428; PubMed 24100448.

NC_000021.8:g.(?_36231761)_(36253020_?)del

Gene: RUNX1 (RUNX family transcription factor 1; minus strand). Cytogenetic location: 21q22.12.
Variant type: Deletion.
Identifiers: ClinVar variation 1459404 (VCV001459404.5).